The following is an entry in ClinVar:

ClinVar aggregate classification (germline): Uncertain significance. Review status: criteria provided, multiple submitters, no conflicts (2 of 4 stars). 2 submissions from 2 submitters: Uncertain significance (2). Last evaluated 2026-01-23.

Conditions:
Inborn genetic diseases. Identifiers: MedGen C0950123, MeSH D030342.

gnomAD v4.1: 4 of 1,613,362 alleles (0.00025%); highest among the groups gnomAD compares: African/African-American, 0.0013%; no homozygotes.

Submissions (2):

GeneDx
Classification: Uncertain significance. Last evaluated: 2026-01-23. Review status: criteria provided, single submitter. Criteria: GeneDx Variant Classification Process June 2021. Collection method: clinical testing. Allele origin: germline.
Comment: In silico analysis supports that this missense variant has a deleterious effect on protein structure/function; Has not been previously published as pathogenic or benign to our knowledge

Ambry Genetics
Classification: Uncertain significance for Inborn genetic diseases. Last evaluated: 2024-07-02. Review status: criteria provided, single submitter. Criteria: Ambry Variant Classification Scheme 2023. Collection method: clinical testing. Allele origin: germline.

NM_001378452.1(ITPR1):c.3070G>A (p.Gly1024Arg)

Gene: ITPR1 (inositol 1,4,5-trisphosphate receptor type 1; plus strand). Cytogenetic location: 3p26.1.
Variant type: single nucleotide variant.
Coding change: c.3070G>A on transcript NM_001378452.1 (MANE Select); coding-DNA position 3070, G replaced by A.
Protein change: p.Gly1024Arg; replaces glycine 1024 with arginine.
Molecular consequence: missense variant.
Genome position (GRCh38, 1-based): chr3:4,680,655, G>A. VCF-style: chr3-4680655-G-A. GRCh37 (hg19) VCF-style: chr3-4722339-G-A.
Other names: c.3043G>A, p.Gly1015Arg (NM_001099952.4); c.3025G>A, p.Gly1009Arg (NM_001168272.2); c.2998G>A, p.Gly1000Arg (NM_002222.7); short protein forms G1009R, G1024R, G1000R, G1015R.
Identifiers: ClinVar variation 3530859 (VCV003530859.2).